The following is an entry in ClinVar:

NM_002609.4(PDGFRB):c.2546G>C (p.Arg849Pro)

Gene: PDGFRB (platelet derived growth factor receptor beta; minus strand). Cytogenetic location: 5q32.
Variant type: single nucleotide variant.
Coding change: c.2546G>C on transcript NM_002609.4 (MANE Select); coding-DNA position 2546, G replaced by C.
Protein change: p.Arg849Pro; replaces arginine 849 with proline.
Molecular consequence: missense variant.
Genome position (GRCh38, 1-based): chr5:150,120,928, C>G on the plus strand (G>C on the coding strand, the complement: PDGFRB is on the minus strand). VCF-style: chr5-150120928-C-G. GRCh37 (hg19) VCF-style: chr5-149500491-C-G.
Other names: c.2354G>C, p.Arg785Pro (NM_001355016.2); c.2063G>C, p.Arg688Pro (NM_001355017.2); short protein forms R688P, R785P, R849P.
Identifiers: ClinVar variation 4531976 (VCV004531976.1).

ClinVar aggregate classification (germline): Uncertain significance (1 of 4 stars; one submission).

Conditions:
Basal ganglia calcification, idiopathic, 4 (PFBC4). Also called: Familial Idiopathic Basal Ganglia Calcification 4; PRIMARY FAMILIAL BRAIN CALCIFICATION 4, AUTOSOMAL DOMINANT. Identifiers: Orphanet 1980, MedGen C3554321, MONDO:0014004, OMIM 615007.

Submission:

Victorian Clinical Genetics Services, Murdoch Childrens Research Institute
Classification: Uncertain significance for Basal ganglia calcification, idiopathic, 4. Last evaluated: 2025-08-26. Review status: criteria provided, single submitter. Criteria: ACMG Guidelines, 2015. Collection method: clinical testing. Allele origin: germline. Affected: yes.
Comment: This variant is classified as VUS-3A. Evidence in support of pathogenic classification: Variant is absent from gnomAD (v2, v3 and v4); Missense variant in a region that is highly intolerant to missense variation (high constraint region in DECIPHER); Missense variant predicted to be damaging by in silico tool(s) or highly conserved with a major amino acid change. Additional information: Variant is predicted to result in a missense amino acid change from Arg to Pro; This variant is heterozygous; This gene is associated with autosomal dominant disease; Alternative amino acid change(s) at the same position are present in gnomAD (Highest allele count: v4: 1 heterozygote(s), 0 homozygote(s)); This variant has no previous evidence of pathogenicity; No published evidence of segregation with disease has been identified for this variant; No published functional evidence has been identified for this variant; Another missense variant(s) comparable to the one identified in this case has inconclusive previous evidence for pathogenicity. p.(Arg849Leu) has been classified as a VUS by a clinical laboratory in ClinVar; Both loss- and gain-of-function are known mechanisms of disease for this gene. Loss-of-function: idiopathic basal ganglia calcification (IBGC) syndrome Type 4. Gain-of-Function: infantile myofibromatosis, Penttinen syndrome, and Kosaki overgrowth syndrome (PMID: 31004414); Variants in this gene are known to have variable expressivity. Not all individuals who have brain calcifications on imaging present with a clinical phenotype (PMID: 23255827) - Inheritance information for this variant is not currently available in this individual.

Literature cited by the submitters: PubMed 31004414; PubMed 23255827.